The following is an entry in ClinVar:

NM_201384.3(PLEC):c.6392C>T (p.Ala2131Val)

Gene: PLEC (plectin; minus strand). Cytogenetic location: 8q24.3.
Variant type: single nucleotide variant.
Coding change: c.6392C>T on transcript NM_201384.3 (MANE Select); coding-DNA position 6392, C replaced by T.
Protein change: p.Ala2131Val; replaces alanine 2131 with valine.
Molecular consequence: missense variant. On other transcripts: intron variant (1).
Genome position (GRCh38, 1-based): chr8:143,923,537, G>A on the plus strand (C>T on the coding strand, the complement: PLEC is on the minus strand). VCF-style: chr8-143923537-G-A. GRCh37 (hg19) VCF-style: chr8-144997705-G-A.
Other names: c.6326C>T, p.Ala2109Val (NM_201379.3); c.6803C>T, p.Ala2268Val (NM_201380.4); c.6296C>T, p.Ala2099Val (NM_201381.3); c.6392C>T, p.Ala2131Val (NM_201382.4); c.6404C>T, p.Ala2135Val (NM_201383.3); c.4126-1142C>T (NM_001410941.1); c.6473C>T, p.Ala2158Val (NM_000445.5); c.6350C>T, p.Ala2117Val (NM_201378.4); short protein forms A2109V, A2131V, A2268V, A2135V, A2158V, A2099V, A2117V.
Identifiers: ClinVar variation 2928542 (VCV002928542.3), dbSNP rs782622438, ClinGen allele CA4926011.

ClinVar aggregate classification (germline): Uncertain significance (1 of 4 stars; one submission).

Conditions:
Epidermolysis bullosa simplex with nail dystrophy (EBS5D). Identifiers: MedGen C4225309, MONDO:0014661, OMIM 616487.
Epidermolysis bullosa simplex 5B, with muscular dystrophy (EBS5B). Also called: EPIDERMOLYSIS BULLOSA SIMPLEX AND LIMB-GIRDLE MUSCULAR DYSTROPHY; Epidermolysis bullosa simplex with muscular dystrophy. Identifiers: Orphanet 257, MedGen C2931072, MONDO:0009181, OMIM 226670.
Epidermolysis bullosa simplex 5C, with pyloric atresia (EBS5C). Also called: PLEC-Related Epidermolysis Bullosa with Pyloric Atresia; Epidermolysis bullosa simplex with pyloric atresia; PLEC1-Related Epidermolysis Bullosa with Pyloric Atresia. Identifiers: Orphanet 158684, MedGen C2677349, MONDO:0012807, OMIM 612138.
Autosomal recessive limb-girdle muscular dystrophy type 2Q (LGMDR17). Also called: MUSCULAR DYSTROPHY, LIMB-GIRDLE, AUTOSOMAL RECESSIVE 17. Identifiers: Orphanet 254361, MedGen C3150989, MONDO:0013390, OMIM 613723.
Epidermolysis bullosa simplex, Ogna type (EBS5A). Also called: Pidermolysis bullosa simplex 5A, Ogna type; EPIDERMOLYSIS BULLOSA SIMPLEX 5A, OGNA TYPE. Identifiers: Orphanet 79401, MedGen C0432317, MONDO:0007555, OMIM 131950.

Allele frequency attached by ClinVar (database versions not stated): ExAC 0.00003.
gnomAD v4.1: 35 of 1,597,404 alleles (0.0022%); highest among the groups gnomAD compares: South Asian, 0.0055%; no homozygotes.

Submission:

Labcorp Genetics (formerly Invitae), Labcorp
Classification: Uncertain significance for Autosomal recessive limb-girdle muscular dystrophy type 2Q; Epidermolysis bullosa simplex, Ogna type; Epidermolysis bullosa simplex with nail dystrophy; Epidermolysis bullosa simplex 5C, with pyloric atresia; Epidermolysis bullosa simplex 5B, with muscular dystrophy. Last evaluated: 2022-12-11. Review status: criteria provided, single submitter. Criteria: Invitae Variant Classification Sherloc (09022015). Collection method: clinical testing. Allele origin: germline.
Comment: This variant has not been reported in the literature in individuals affected with PLEC-related conditions. This variant is present in population databases (rs782622438, gnomAD 0.01%). This sequence change replaces alanine, which is neutral and non-polar, with valine, which is neutral and non-polar, at codon 2158 of the PLEC protein (p.Ala2158Val). Algorithms developed to predict the effect of missense changes on protein structure and function are either unavailable or do not agree on the potential impact of this missense change (SIFT: "Deleterious"; PolyPhen-2: "Benign"; Align-GVGD: "Class C0"). In summary, the available evidence is currently insufficient to determine the role of this variant in disease. Therefore, it has been classified as a Variant of Uncertain Significance.